The following is an entry in ClinVar:

NM_025099.6(CTC1):c.2575A>T (p.Thr859Ser)

Gene: CTC1 (CST telomere replication complex component 1; minus strand). Cytogenetic location: 17p13.1.
Variant type: single nucleotide variant.
Coding change: c.2575A>T on transcript NM_025099.6 (MANE Select); coding-DNA position 2575, A replaced by T.
Protein change: p.Thr859Ser; replaces threonine 859 with serine.
Molecular consequence: missense variant. On other transcripts: non-coding transcript variant (1).
Genome position (GRCh38, 1-based): chr17:8,231,370, T>A on the plus strand (A>T on the coding strand, the complement: CTC1 is on the minus strand). VCF-style: chr17-8231370-T-A. GRCh37 (hg19) VCF-style: chr17-8134688-T-A.
Other names: short protein forms T859S.
Identifiers: ClinVar variation 574613 (VCV000574613.8), dbSNP rs780809830, ClinGen allele CA8372029.

ClinVar aggregate classification (germline): Uncertain significance (1 of 4 stars; one submission).

Conditions:
Dyskeratosis congenita. Identifiers: Orphanet 1775, MedGen C0265965, MONDO:0015780.

Allele frequency attached by ClinVar (database versions not stated): gnomAD exomes below 0.00001 and 0.00001; ExAC 0.00002; gnomAD 0.00004 and 0.00006; TOPMed 0.00006.
gnomAD v4.1: 10 of 1,612,998 alleles (0.00062%); highest among the groups gnomAD compares: African/African-American, 0.013%; no homozygotes.

Submission:

Labcorp Genetics (formerly Invitae), Labcorp
Classification: Uncertain significance for Dyskeratosis congenita. Last evaluated: 2021-09-01. Review status: criteria provided, single submitter. Criteria: Invitae Variant Classification Sherloc (09022015). Collection method: clinical testing. Allele origin: germline.
Comment: This sequence change replaces threonine with serine at codon 859 of the CTC1 protein (p.Thr859Ser). The threonine residue is highly conserved and there is a small physicochemical difference between threonine and serine. This variant is present in population databases (rs780809830, ExAC 0.02%). This variant has not been reported in the literature in individuals affected with CTC1-related conditions. Algorithms developed to predict the effect of missense changes on protein structure and function are either unavailable or do not agree on the potential impact of this missense change (SIFT: "Tolerated"; PolyPhen-2: "Possibly Damaging"; Align-GVGD: "Class C0"). In summary, the available evidence is currently insufficient to determine the role of this variant in disease. Therefore, it has been classified as a Variant of Uncertain Significance.